The following is an entry in ClinVar:

NM_080605.4(B3GALT6):c.521_528del (p.Glu174fs)

Gene: B3GALT6 (beta-1,3-galactosyltransferase 6; plus strand). Cytogenetic location: 1p36.33.
Variant type: Deletion.
Coding change: c.521_528del on transcript NM_080605.4 (MANE Select); coding-DNA positions 521 to 528, 8 bases deleted (AGCCCGCG; older notation c.521_528delAGCCCGCG).
Protein change: p.Glu174fs; shifts the reading frame from glutamic acid 174.
Molecular consequence: frameshift variant.
Genome position (GRCh38, 1-based): chr1:1,232,799-1,232,806, AGCCCGCG deleted; deleting any 8 consecutive bases within chr1:1,232,792-1,232,806 gives the same sequence; the c. name uses the placement nearest the transcript's 3' end. VCF-style (leftmost placement, unchanged base first): chr1-1232791-CGCCCGCGA-C. GRCh37 (hg19) VCF-style: chr1-1168171-CGCCCGCGA-C.
Other names: short protein forms E174fs.
Identifiers: ClinVar variation 3750880 (VCV003750880.2).

ClinVar aggregate classification (germline): Pathogenic (1 of 4 stars; one submission).

Conditions:
Ehlers-Danlos syndrome, spondylodysplastic type, 2 (EDSSPD2). Also called: Ehlers-Danlos syndrome, progeroid type, 2. Identifiers: Orphanet 536467, Orphanet 75496, MedGen C3809210, MONDO:0014139, OMIM 615349.
Spondyloepimetaphyseal dysplasia with joint laxity (SEMDJL). Identifiers: MedGen C0432243, MONDO:0019675.

Submission:

Labcorp Genetics (formerly Invitae), Labcorp
Classification: Pathogenic for Ehlers-Danlos syndrome, spondylodysplastic type, 2; Spondyloepimetaphyseal dysplasia with joint laxity. Last evaluated: 2025-02-19. Review status: criteria provided, single submitter. Criteria: Invitae Variant Classification Sherloc (09022015). Collection method: clinical testing. Allele origin: germline.
Comment: This sequence change creates a premature translational stop signal (p.Glu174Alafs*266) in the B3GALT6 gene. While this is not anticipated to result in nonsense mediated decay, it is expected to disrupt the last 156 amino acid(s) of the B3GALT6 protein. This variant is not present in population databases (gnomAD no frequency). This premature translational stop signal has been observed in individual(s) with spondylodysplastic Ehlers–Danlos syndrome (PMID: 29931299, 32381727, 35734427). In at least one individual the data is consistent with being in trans (on the opposite chromosome) from a pathogenic variant. It has also been observed to segregate with disease in related individuals. Algorithms developed to predict the effect of variants on gene product structure and function are not available or were not evaluated for this variant. Experimental studies have shown that this premature translational stop signal affects B3GALT6 function (PMID: 35734427). For these reasons, this variant has been classified as Pathogenic.

Literature cited by the submitters: PubMed 29931299; PubMed 32381727; PubMed 35734427.